The following is an entry in ClinVar:

ClinVar aggregate classification (germline): Uncertain significance. Review status: criteria provided, multiple submitters, no conflicts (2 of 4 stars). 2 submissions from 2 submitters: Uncertain significance (2). Last evaluated 2023-11-21.

Conditions:
Cardiovascular phenotype. Identifiers: MedGen CN230736.

Allele frequency attached by ClinVar (database versions not stated): gnomAD exomes below 0.00001; TOPMed below 0.00001; gnomAD 0.00001.
gnomAD v4.1: 3 of 1,614,030 alleles (0.00019%); highest among the groups gnomAD compares: Admixed American, 0.0017%; no homozygotes.

Submissions (2):

Ambry Genetics
Classification: Uncertain significance for Cardiovascular phenotype. Last evaluated: 2023-11-21. Review status: criteria provided, single submitter. Criteria: Ambry Variant Classification Scheme 2023. Collection method: clinical testing. Allele origin: germline.
Comment: The p.A513T variant (also known as c.1537G>A), located in coding exon 4 of the HCN4 gene, results from a G to A substitution at nucleotide position 1537. The alanine at codon 513 is replaced by threonine, an amino acid with similar properties. This amino acid position is conserved. In addition, this alteration is predicted to be deleterious by in silico analysis. Since supporting evidence is limited at this time, the clinical significance of this alteration remains unclear.

Blueprint Genetics
Classification: Uncertain significance. Last evaluated: 2023-05-09. Review status: criteria provided, single submitter. Criteria: ACMG Guidelines, 2015. Collection method: clinical testing. Allele origin: germline.

NM_005477.3(HCN4):c.1537G>A (p.Ala513Thr)

Gene: HCN4 (hyperpolarization activated cyclic nucleotide gated potassium channel 4; minus strand). Cytogenetic location: 15q24.1.
Variant type: single nucleotide variant.
Coding change: c.1537G>A on transcript NM_005477.3 (MANE Select); coding-DNA position 1537, G replaced by A.
Protein change: p.Ala513Thr; replaces alanine 513 with threonine.
Molecular consequence: missense variant.
Genome position (GRCh38, 1-based): chr15:73,329,626, C>T on the plus strand (G>A on the coding strand, the complement: HCN4 is on the minus strand). VCF-style: chr15-73329626-C-T. GRCh37 (hg19) VCF-style: chr15-73621967-C-T.
Other names: short protein forms A513T.
Identifiers: ClinVar variation 3224715 (VCV003224715.2), dbSNP rs2042920930, ClinGen allele CA393093555.